The following is an entry in ClinVar:

ClinVar aggregate classification (germline): Uncertain significance (1 of 4 stars; one submission).

Allele frequency attached by ClinVar (database versions not stated): gnomAD exomes 0.00005; ExAC 0.00016; gnomAD 0.00038; TOPMed 0.00040; ESP Exome Variant Server 0.00048; 1000 Genomes Project 0.00080; 1000 Genomes Project 30x 0.00094.
gnomAD v4.1: 137 of 1,613,846 alleles (0.0085%); highest among the groups gnomAD compares: African/African-American, 0.15%; no homozygotes.

Submission:

Labcorp Genetics (formerly Invitae), Labcorp
Classification: Uncertain significance. Last evaluated: 2025-07-21. Review status: criteria provided, single submitter. Criteria: Invitae Variant Classification Sherloc (09022015). Collection method: clinical testing. Allele origin: germline.
Comment: This sequence change replaces alanine, which is neutral and non-polar, with serine, which is neutral and polar, at codon 60 of the IL18BP protein (p.Ala60Ser). This variant is present in population databases (rs199903534, gnomAD 0.2%), and has an allele count higher than expected for a pathogenic variant. This variant has not been reported in the literature in individuals affected with IL18BP-related conditions. ClinVar contains an entry for this variant (Variation ID: 2197445). An algorithm developed to predict the effect of missense changes on protein structure and function (PolyPhen-2) suggests that this variant is likely to be tolerated. In summary, the available evidence is currently insufficient to determine the role of this variant in disease. Therefore, it has been classified as a Variant of Uncertain Significance.

NM_001039660.2(IL18BP):c.178G>T (p.Ala60Ser)

Gene: IL18BP (interleukin 18 binding protein; plus strand). Cytogenetic location: 11q13.4.
Variant type: single nucleotide variant.
Coding change: c.178G>T on transcript NM_001039660.2 (MANE Select); coding-DNA position 178, G replaced by T.
Protein change: p.Ala60Ser; replaces alanine 60 with serine.
Molecular consequence: missense variant.
Genome position (GRCh38, 1-based): chr11:72,000,500, G>T. VCF-style: chr11-72000500-G-T. GRCh37 (hg19) VCF-style: chr11-71711546-G-T.
Other names: c.178G>T, p.Ala60Ser (NM_001039659.2, NM_001145055.1, NM_001145057.1 and 3 more transcripts); short protein forms A60S.
Identifiers: ClinVar variation 2197445 (VCV002197445.4), dbSNP rs199903534, ClinGen allele CA6166133.